The following is an entry in ClinVar:

ClinVar aggregate classification (germline): Uncertain significance. Review status: criteria provided, multiple submitters, no conflicts (2 of 4 stars). 2 submissions from 2 submitters: Uncertain significance (2). Last evaluated 2025-04-23.

Conditions:
Inborn genetic diseases. Identifiers: MedGen C0950123, MeSH D030342.

Allele frequency attached by ClinVar (database versions not stated): gnomAD exomes 0.00001 and 0.00003; TOPMed 0.00001; ExAC 0.00006.
gnomAD v4.1: 13 of 1,598,438 alleles (0.00081%); highest among the groups gnomAD compares: East Asian, 0.016%; no homozygotes.

Submissions (2):

Labcorp Genetics (formerly Invitae), Labcorp
Classification: Uncertain significance. Last evaluated: 2025-04-23. Review status: criteria provided, single submitter. Criteria: Invitae Variant Classification Sherloc (09022015). Collection method: clinical testing. Allele origin: germline.
Comment: This sequence change replaces arginine, which is basic and polar, with glutamine, which is neutral and polar, at codon 579 of the COL9A2 protein (p.Arg579Gln). This variant is present in population databases (rs764023683, gnomAD 0.04%). This variant has not been reported in the literature in individuals affected with COL9A2-related conditions. ClinVar contains an entry for this variant (Variation ID: 1495774). Invitae Evidence Modeling of protein sequence and biophysical properties (such as structural, functional, and spatial information, amino acid conservation, physicochemical variation, residue mobility, and thermodynamic stability) indicates that this missense variant is not expected to disrupt COL9A2 protein function with a negative predictive value of 95%. In summary, the available evidence is currently insufficient to determine the role of this variant in disease. Therefore, it has been classified as a Variant of Uncertain Significance.

Ambry Genetics
Classification: Uncertain significance for Inborn genetic diseases. Last evaluated: 2023-05-03. Review status: criteria provided, single submitter. Criteria: Ambry Variant Classification Scheme 2023. Collection method: clinical testing. Allele origin: germline.

NM_001852.4(COL9A2):c.1736G>A (p.Arg579Gln)

Gene: COL9A2 (collagen type IX alpha 2 chain; minus strand). Cytogenetic location: 1p34.2.
Variant type: single nucleotide variant.
Coding change: c.1736G>A on transcript NM_001852.4 (MANE Select); coding-DNA position 1736, G replaced by A.
Protein change: p.Arg579Gln; replaces arginine 579 with glutamine.
Molecular consequence: missense variant.
Genome position (GRCh38, 1-based): chr1:40,302,677, C>T on the plus strand (G>A on the coding strand, the complement: COL9A2 is on the minus strand). VCF-style: chr1-40302677-C-T. GRCh37 (hg19) VCF-style: chr1-40768349-C-T.
Other names: c.1736G>A (NM_001852.3); short protein forms R579Q.
Identifiers: ClinVar variation 1495774 (VCV001495774.10), dbSNP rs764023683, ClinGen allele CA791351.